The following is an entry in ClinVar:

NM_004360.5(CDH1):c.45G>A (p.Leu15=)

Gene: CDH1 (cadherin 1; plus strand). Cytogenetic location: 16q22.1.
Variant type: single nucleotide variant.
Coding change: c.45G>A on transcript NM_004360.5 (MANE Select); coding-DNA position 45, G replaced by A.
Protein change: p.Leu15=; no amino-acid change (leucine 15 retained).
Molecular consequence: synonymous variant. On other transcripts: 5 prime UTR variant (2).
Genome position (GRCh38, 1-based): chr16:68,737,460, G>A. VCF-style: chr16-68737460-G-A. GRCh37 (hg19) VCF-style: chr16-68771363-G-A.
Other names: c.45G>A, p.Leu15= (NM_001317184.2); c.-1571G>A (NM_001317185.2); c.-1775G>A (NM_001317186.2).
Identifiers: ClinVar variation 919859 (VCV000919859.17), dbSNP rs746331438, ClinGen allele CA8129775.

ClinVar aggregate classification (germline): Benign/Likely benign. Review status: criteria provided, multiple submitters, no conflicts (2 of 4 stars). 7 submissions from 7 submitters: Benign (1); Likely benign (6). Last evaluated 2025-09-14.

Conditions:
Familial cancer of breast. Also called: hereditary breast carcinoma; BREAST CANCER, FAMILIAL; Hereditary breast cancer. Identifiers: Orphanet 227535, MedGen C0346153, MONDO:0016419, OMIM 114480. Disease mechanism: loss of function.
Ovarian cancer. Also called: OVARIAN CANCER, SOMATIC. Identifiers: Orphanet 213500, MedGen C1140680, MONDO:0008170, OMIM 167000.
Hereditary cancer-predisposing syndrome. Also called: Hereditary Cancer Syndrome; Hereditary neoplastic syndrome; Neoplastic Syndromes, Hereditary; Tumor predisposition. Identifiers: Orphanet 140162, MedGen C0027672, MeSH D009386, MONDO:0015356.
Hereditary diffuse gastric adenocarcinoma (HDGC). Also called: DIFFUSE GASTRIC AND LOBULAR BREAST CANCER SYNDROME. Identifiers: Orphanet 26106, MedGen C1708349, MONDO:0007648, OMIM 137215.

Allele frequency attached by ClinVar (database versions not stated): ExAC below 0.00001; gnomAD exomes below 0.00001; TOPMed 0.00001.
gnomAD v4.1: 2 of 1,537,464 alleles (0.00013%); highest among the groups gnomAD compares: Non-Finnish European, 0.00017%; no homozygotes.

Submissions (7):

Labcorp Genetics (formerly Invitae), Labcorp
Classification: Likely benign for Hereditary diffuse gastric adenocarcinoma. Last evaluated: 2025-09-14. Review status: criteria provided, single submitter. Criteria: Invitae Variant Classification Sherloc (09022015). Collection method: clinical testing. Allele origin: germline.

Myriad Genetics, Inc.
Classification: Benign for Hereditary diffuse gastric adenocarcinoma. Last evaluated: 2024-09-10. Review status: criteria provided, single submitter. Criteria: Myriad Autosomal Dominant, Autosomal Recessive and X-Linked Classification Criteria (2023). Collection method: clinical testing. Allele origin: unknown.
Comment: This variant is considered benign. This variant is a silent/synonymous amino acid change and it is not expected to impact splicing.

Women's Health and Genetics/Laboratory Corporation of America, LabCorp
Classification: Likely benign. Last evaluated: 2022-11-25. Review status: criteria provided, single submitter. Criteria: LabCorp Variant Classification Summary - May 2015. Collection method: clinical testing. Allele origin: germline.

Quest Diagnostics Nichols Institute San Juan Capistrano
Classification: Likely benign. Last evaluated: 2022-10-22. Review status: criteria provided, single submitter. Criteria: Quest Diagnostics criteria. Collection method: clinical testing. Allele origin: unknown.

Department of Pathology and Laboratory Medicine, Sinai Health System
Classification: Likely benign for Familial cancer of breast; Ovarian cancer. Last evaluated: 2022-08-18. Review status: criteria provided, single submitter. Criteria: ACMG Guidelines, 2015. Collection method: clinical testing. Allele origin: germline. Affected: yes.

Ambry Genetics
Classification: Likely benign for Hereditary cancer-predisposing syndrome. Last evaluated: 2021-06-09. Review status: criteria provided, single submitter. Criteria: Ambry Variant Classification Scheme 2023. Collection method: clinical testing. Allele origin: germline.

Color Diagnostics, LLC DBA Color Health
Classification: Likely benign for Hereditary cancer-predisposing syndrome. Last evaluated: 2019-01-23. Review status: criteria provided, single submitter. Criteria: ACMG Guidelines, 2015. Collection method: clinical testing. Allele origin: germline.